The following is an entry in ClinVar:

NM_001103.4(ACTN2):c.1219A>G (p.Arg407Gly)

Gene: ACTN2 (actinin alpha 2; plus strand). Cytogenetic location: 1q43.
Variant type: single nucleotide variant.
Coding change: c.1219A>G on transcript NM_001103.4 (MANE Select); coding-DNA position 1219, A replaced by G.
Protein change: p.Arg407Gly; replaces arginine 407 with glycine.
Molecular consequence: missense variant. On other transcripts: non-coding transcript variant (1).
Genome position (GRCh38, 1-based): chr1:236,743,007, A>G. VCF-style: chr1-236743007-A-G. GRCh37 (hg19) VCF-style: chr1-236906307-A-G.
Other names: c.1219A>G, p.Arg407Gly (NM_001278343.2); c.595A>G, p.Arg199Gly (NM_001278344.2); c.469A>G, p.Arg157Gly (NM_001412150.1); short protein forms R199G, R157G, R407G.
Identifiers: ClinVar variation 2930055 (VCV002930055.1), dbSNP rs1156429656, ClinGen allele CA345382408.

ClinVar aggregate classification (germline): Uncertain significance (1 of 4 stars; one submission).

Conditions:
Primary familial hypertrophic cardiomyopathy (HCM). Identifiers: Orphanet 99739, MedGen C0949658, MeSH D024741, MONDO:0024573. Inheritance: Various modes of inheritance.
Dilated cardiomyopathy 1AA (CMD1AA). Also called: CARDIOMYOPATHY, DILATED, 1AA, WITH OR WITHOUT LEFT VENTRICULAR NONCOMPACTION; CARDIOMYOPATHY, FAMILIAL HYPERTROPHIC, 23, WITH OR WITHOUT LEFT VENTRICULAR NONCOMPACTION; Cardiomyopathy, dilated, 1AA, with or without LVNC. Identifiers: Orphanet 154, MedGen C2677338, MONDO:0012808, OMIM 612158.

Allele frequency attached by ClinVar (database versions not stated): gnomAD 0.00001.
gnomAD v4.1: 1 of 1,614,080 alleles (0.000062%); highest among the groups gnomAD compares: Non-Finnish European, 0.000085%; no homozygotes.

Submission:

Labcorp Genetics (formerly Invitae), Labcorp
Classification: Uncertain significance for Primary familial hypertrophic cardiomyopathy; Dilated cardiomyopathy 1AA. Last evaluated: 2023-09-06. Review status: criteria provided, single submitter. Criteria: Invitae Variant Classification Sherloc (09022015). Collection method: clinical testing. Allele origin: germline.
Comment: This sequence change replaces arginine, which is basic and polar, with glycine, which is neutral and non-polar, at codon 407 of the ACTN2 protein (p.Arg407Gly). This variant is not present in population databases (gnomAD no frequency). This variant has not been reported in the literature in individuals affected with ACTN2-related conditions. Advanced modeling of protein sequence and biophysical properties (such as structural, functional, and spatial information, amino acid conservation, physicochemical variation, residue mobility, and thermodynamic stability) performed at Invitae indicates that this missense variant is not expected to disrupt ACTN2 protein function. In summary, the available evidence is currently insufficient to determine the role of this variant in disease. Therefore, it has been classified as a Variant of Uncertain Significance.